The following is an entry in ClinVar:

ClinVar aggregate classification (germline): Benign/Likely benign. Review status: criteria provided, multiple submitters, no conflicts (2 of 4 stars). 23 submissions from 19 submitters: Benign (13); Likely benign (9). 1 of the submissions does not count toward it. Last evaluated 2026-05-13.

Conditions:
Hereditary cancer-predisposing syndrome. Also called: Tumor predisposition; Neoplastic Syndromes, Hereditary; Hereditary Cancer Syndrome; Hereditary neoplastic syndrome. Identifiers: Orphanet 140162, MedGen C0027672, MeSH D009386, MONDO:0015356.
Cardiovascular phenotype. Identifiers: MedGen CN230736.
Neurofibromatosis, familial spinal (FSNF). Identifiers: Orphanet 636, MedGen C1834235, MONDO:0008078, OMIM 162210. Disease mechanism: loss of function.
Juvenile myelomonocytic leukemia (JMML). Also called: LEUKEMIA, JUVENILE MYELOMONOCYTIC, SOMATIC. Identifiers: Orphanet 86834, MedGen C0349639, MONDO:0011908, OMIM 607785, HP:0012209.
Neurofibromatosis-Noonan syndrome (NFNS). Also called: NEUROFIBROMATOSIS WITH NOONAN PHENOTYPE. Identifiers: Orphanet 638, MedGen C2931482, MONDO:0011035, OMIM 601321. Disease mechanism: loss of function.
Café-au-lait macules with pulmonary stenosis (WTSN). Also called: PULMONIC STENOSIS WITH CAFE-AU-LAIT SPOTS. Identifiers: MedGen C0553586, MONDO:0008672, OMIM 193520.
Neurofibromatosis, type 1 (NF1). Also called: NEUROFIBROMATOSIS, TYPE I, SOMATIC; VON RECKLINGHAUSEN DISEASE; Peripheral type neurofibromatosis; Neurofibromatosis, type I. Identifiers: Orphanet 636, MedGen C0027831, MONDO:0018975, OMIM 162200. Disease mechanism: loss of function.

Allele frequency attached by ClinVar (database versions not stated): TOPMed 0.00064; gnomAD 0.00066 and 0.00064; ESP Exome Variant Server 0.00069; 1000 Genomes Project below 0.00001; 1000 Genomes Project 30x 0.00016; gnomAD exomes 0.00059 and 0.00079; ExAC 0.00073.
gnomAD v4.1: 994 of 1,613,328 alleles (0.062%); highest among the groups gnomAD compares: Admixed American, 0.11%; 3 homozygotes.

Submissions 1 to 19 of 25:

Myriad Genetics, Inc.
Classification: Likely benign for Neurofibromatosis, type 1. Last evaluated: 2026-05-13. Review status: criteria provided, single submitter. Criteria: Myriad Autosomal Dominant, Autosomal Recessive and X-Linked Classification Criteria (2023). Collection method: clinical testing. Allele origin: unknown.
Comment: This variant is considered likely benign. This variant has been observed at a population frequency that is significantly greater than expected given the associated disease prevalence and penetrance.

CeGaT Center for Human Genetics Tuebingen
Classification: Likely benign. Last evaluated: 2026-05-01. Review status: criteria provided, single submitter. Criteria: CeGaT Center For Human Genetics Tuebingen Variant Classification Criteria Version 2. Collection method: clinical testing. Allele origin: germline. Affected: yes. Observed: 10 variant alleles.
Comment: NF1: PP3, BS1

Labcorp Genetics (formerly Invitae), Labcorp
Classification: Benign for Neurofibromatosis, type 1. Last evaluated: 2026-02-04. Review status: criteria provided, single submitter. Criteria: Invitae Variant Classification Sherloc (09022015). Collection method: clinical testing. Allele origin: germline.

Quest Diagnostics Nichols Institute San Juan Capistrano
Classification: Benign. Last evaluated: 2025-08-26. Review status: criteria provided, single submitter. Criteria: Quest Diagnostics criteria. Collection method: clinical testing. Allele origin: unknown.

Blueprint Genetics
Classification: Likely benign. Last evaluated: 2024-10-24. Review status: criteria provided, single submitter. Criteria: ACMG Guidelines, 2015. Collection method: clinical testing. Allele origin: germline.

Department of Pathology and Laboratory Medicine, Sinai Health System
Classification: Benign for Neurofibromatosis, type 1; Neurofibromatosis, familial spinal; Café-au-lait macules with pulmonary stenosis; Neurofibromatosis-Noonan syndrome; Juvenile myelomonocytic leukemia. Last evaluated: 2024-10-16. Review status: criteria provided, single submitter. Criteria: ACMG Guidelines, 2015. Collection method: clinical testing. Allele origin: germline.

Women's Health and Genetics/Laboratory Corporation of America, LabCorp
Classification: Benign. Last evaluated: 2023-01-30. Review status: criteria provided, single submitter. Criteria: LabCorp Variant Classification Summary - May 2015. Collection method: clinical testing. Allele origin: germline.
Comment: Variant summary: NF1 c.7532C>T (p.Ala2511Val) results in a non-conservative amino acid change in the encoded protein sequence. Three of five in-silico tools predict a damaging effect of the variant on protein function. The variant allele was found at a frequency of 0.00079 in 251060 control chromosomes. The observed variant frequency is approximately 317-fold of the estimated maximal expected allele frequency for a pathogenic variant in NF1 causing Noonan Syndrome And Related Conditions phenotype (2.5e-06), strongly suggesting that the variant is benign. c.7532C>T has been reported in the literature in individuals affected Neurofibromatosis Type I (e.g. Tsipi_2018, Ben Aim_2019). These report(s) do not provide unequivocal conclusions about association of the variant with NF1-Related Disorders. To our knowledge, no experimental evidence demonstrating an impact on protein function has been reported. Fifteen ClinVar submitters (evaluation after 2014) cites the variant as benign/likely benign. Based on the evidence outlined above, the variant was classified as benign.

Institute for Biomarker Research, Medical Diagnostic Laboratories, L.L.C.
Classification: Likely benign for Hereditary cancer-predisposing syndrome. Last evaluated: 2022-10-18. Review status: criteria provided, single submitter. Criteria: ACMG Guidelines, 2015. Collection method: clinical testing. Allele origin: germline.

Medical Genetics, University of Parma
Classification: Benign for Neurofibromatosis, type 1. Last evaluated: 2022-08-17. Review status: criteria provided, single submitter. Criteria: ACMG Guidelines, 2015. Collection method: clinical testing. Allele origin: germline. Inheritance: Autosomal dominant inheritance. Affected: yes.

Genome-Nilou Lab
Classification: Benign for Neurofibromatosis, type 1. Last evaluated: 2022-03-15. Review status: criteria provided, single submitter. Criteria: ACMG Guidelines, 2015. Collection method: clinical testing. Allele origin: germline. Affected: no.

Sema4
Classification: Benign for Hereditary cancer-predisposing syndrome. Last evaluated: 2020-07-21. Review status: criteria provided, single submitter. Criteria: Sema4 Curation Guidelines. Collection method: curation. Allele origin: germline.

Genetic Services Laboratory, University of Chicago
Classification: Benign. Last evaluated: 2019-11-13. Review status: criteria provided, single submitter. Criteria: ACMG Guidelines, 2015. Collection method: clinical testing. Allele origin: germline. Affected: no.

Mendelics
Classification: Likely benign for Neurofibromatosis, type 1. Last evaluated: 2019-05-28. Review status: criteria provided, single submitter. Criteria: Mendelics Assertion Criteria 2017. Collection method: clinical testing. Allele origin: unknown.

Ambry Genetics
Classification: Benign for Cardiovascular phenotype; Hereditary cancer-predisposing syndrome. Last evaluated: 2019-04-22. Review status: criteria provided, single submitter. Criteria: Ambry Variant Classification Scheme 2023. Collection method: clinical testing. Allele origin: germline.

Laboratory for Molecular Medicine, Mass General Brigham Personalized Medicine
Classification: Benign. Last evaluated: 2018-04-06. Review status: criteria provided, single submitter. Criteria: LMM Criteria. Collection method: clinical testing. Allele origin: germline. Observed: 1 variant allele.
Comment: p.Ala2532Val in exon 51 of NF1: This variant is classified as benign because it has been identified in 0.93% (94/10136) of Ashkenazi Jewish chromosomes by the G enome Aggregation Database (gnomAD; dbSNP rs14 8154172). ACMG/AMP Criteria applied (Richards 2015): BA1.

GeneDx
Classification: Benign. Last evaluated: 2018-02-05. Review status: criteria provided, single submitter. Criteria: GeneDx Variant Classification (06012015). Collection method: clinical testing. Allele origin: germline. Affected: yes.
Comment: This variant is considered likely benign or benign based on one or more of the following criteria: it is a conservative change, it occurs at a poorly conserved position in the protein, it is predicted to be benign by multiple in silico algorithms, and/or has population frequency not consistent with disease.

Illumina Laboratory Services, Illumina
Classification: Benign for Neurofibromatosis-Noonan syndrome. Last evaluated: 2017-04-28. Review status: criteria provided, single submitter. Criteria: ICSL Variant Classification Criteria 13 December 2019. Collection method: clinical testing. Allele origin: germline.
Comment: This variant was observed as part of a predisposition screen in an ostensibly healthy population. A literature search was performed for the gene, cDNA change, and amino acid change (where applicable). No publications were found based on this search. Allele frequency data from public databases was too high to be consistent with this variant causing disease. Therefore, this variant is classified as benign.

Illumina Laboratory Services, Illumina
Classification: Likely benign for Neurofibromatosis, type 1. Last evaluated: 2017-04-28. Review status: criteria provided, single submitter. Criteria: ICSL Variant Classification Criteria 13 December 2019. Collection method: clinical testing. Allele origin: germline.
Comment: This variant was observed as part of a predisposition screen in an ostensibly healthy population. A literature search was performed for the gene, cDNA change, and amino acid change (where applicable). Publications were found based on this search. The evidence from the literature, in combination with allele frequency data from public databases where available, was sufficient to determine this variant is unlikely to cause disease. Therefore, this variant is classified as likely benign.

Illumina Laboratory Services, Illumina
Classification: Likely benign for Café-au-lait macules with pulmonary stenosis. Last evaluated: 2017-04-28. Review status: criteria provided, single submitter. Criteria: ICSL Variant Classification Criteria 13 December 2019. Collection method: clinical testing. Allele origin: germline.
Comment: This variant was observed as part of a predisposition screen in an ostensibly healthy population. A literature search was performed for the gene, cDNA change, and amino acid change (where applicable). No publications were found based on this search. Allele frequency data from public databases allowed determination this variant is unlikely to cause disease. Therefore, this variant is classified as likely benign.

NM_001042492.3(NF1):c.7595C>T (p.Ala2532Val)

Gene: NF1 (neurofibromin 1; plus strand). Cytogenetic location: 17q11.2.
Variant type: single nucleotide variant.
Coding change: c.7595C>T on transcript NM_001042492.3 (MANE Select); coding-DNA position 7595, C replaced by T.
Protein change: p.Ala2532Val; replaces alanine 2532 with valine.
Molecular consequence: missense variant.
Genome position (GRCh38, 1-based): chr17:31,352,394, C>T. VCF-style: chr17-31352394-C-T. GRCh37 (hg19) VCF-style: chr17-29679412-C-T.
Other names: c.7532C>T, p.Ala2511Val (NM_000267.4); short protein forms A2511V, A2532V.
Identifiers: ClinVar variation 41678 (VCV000041678.63), dbSNP rs148154172, ClinGen allele CA166994.